The following is an entry in ClinVar:

NM_001170629.2(CHD8):c.2966G>A (p.Ser989Asn)

Gene: CHD8 (chromodomain helicase DNA binding protein 8; minus strand). Cytogenetic location: 14q11.2.
Variant type: single nucleotide variant.
Coding change: c.2966G>A on transcript NM_001170629.2 (MANE Select); coding-DNA position 2966, G replaced by A.
Protein change: p.Ser989Asn; replaces serine 989 with asparagine.
Molecular consequence: missense variant.
Genome position (GRCh38, 1-based): chr14:21,405,806, C>T on the plus strand (G>A on the coding strand, the complement: CHD8 is on the minus strand). VCF-style: chr14-21405806-C-T. GRCh37 (hg19) VCF-style: chr14-21873965-C-T.
Other names: c.2129G>A, p.Ser710Asn (NM_020920.4); short protein forms S710N, S989N.
Identifiers: ClinVar variation 1806796 (VCV001806796.1), dbSNP rs1888230856, ClinGen allele CA388903510.
Genomic context (GRCh38, chr14:21,405,806, plus strand): 5'-AAGTCCTTGAGAAACTCTGATTCTGAGGGAAATTGTGACGGTTCCAAGAAATGAAGCAAG[C>T]TAAACAGTTCTTCTACAGTATTTTGCAATGGTGTTCCTGTGAGTAGCACCTTGTGTTCCT-3'
Protein context (NP_001164100.1, residues 979-999): PLQNTVEELF[Ser989Asn]LLHFLEPSQF

ClinVar aggregate classification (germline): Uncertain significance (1 of 4 stars; one submission).

Allele frequency attached by ClinVar (database versions not stated): TOPMed below 0.00001.

Submission:

GeneDx
Classification: Uncertain significance. Last evaluated: 2022-06-24. Review status: criteria provided, single submitter. Criteria: GeneDx Variant Classification Process June 2021. Collection method: clinical testing. Allele origin: germline. Affected: yes.
Comment: Not observed at significant frequency in large population cohorts (gnomAD); In silico analysis supports that this missense variant has a deleterious effect on protein structure/function; Has not been previously published as pathogenic or benign to our knowledge